The following is an entry in ClinVar:

NM_004360.5(CDH1):c.2641G>A (p.Asp881Asn)

Gene: CDH1 (cadherin 1; plus strand). Cytogenetic location: 16q22.1.
Variant type: single nucleotide variant.
Coding change: c.2641G>A on transcript NM_004360.5 (MANE Select); coding-DNA position 2641, G replaced by A.
Protein change: p.Asp881Asn; replaces aspartic acid 881 with asparagine.
Molecular consequence: missense variant.
Genome position (GRCh38, 1-based): chr16:68,833,491, G>A. VCF-style: chr16-68833491-G-A. GRCh37 (hg19) VCF-style: chr16-68867394-G-A.
Other names: c.2641G>A (LRG_301t1, NM_004360.4); c.2458G>A, p.Asp820Asn (NM_001317184.2); c.1093G>A, p.Asp365Asn (NM_001317185.2); c.676G>A, p.Asp226Asn (NM_001317186.2); short protein forms D881N, D820N, D226N, D365N.
Identifiers: ClinVar variation 481114 (VCV000481114.14), dbSNP rs1198941336, ClinGen allele CA396472924.

ClinVar aggregate classification (germline): Uncertain significance. Review status: criteria provided, multiple submitters, no conflicts (2 of 4 stars). 4 submissions from 4 submitters: Uncertain significance (4). Last evaluated 2023-12-04.

Conditions:
Hereditary cancer-predisposing syndrome. Also called: Hereditary neoplastic syndrome; Neoplastic Syndromes, Hereditary; Tumor predisposition; Hereditary Cancer Syndrome. Identifiers: Orphanet 140162, MedGen C0027672, MeSH D009386, MONDO:0015356.
CDH1-related disorder. Also called: CDH1-related condition.
Hereditary diffuse gastric adenocarcinoma (HDGC). Also called: DIFFUSE GASTRIC AND LOBULAR BREAST CANCER SYNDROME. Identifiers: Orphanet 26106, MedGen C1708349, MONDO:0007648, OMIM 137215.

Allele frequency attached by ClinVar (database versions not stated): gnomAD exomes below 0.00001 and 0.00001.
gnomAD v4.1: 3 of 1,613,568 alleles (0.00019%); highest among the groups gnomAD compares: Non-Finnish European, 0.00025%; no homozygotes.

Submissions (4):

Color Diagnostics, LLC DBA Color Health
Classification: Uncertain significance for Hereditary cancer-predisposing syndrome. Last evaluated: 2023-12-04. Review status: criteria provided, single submitter. Criteria: ACMG Guidelines, 2015. Collection method: clinical testing. Allele origin: germline.
Comment: This missense variant replaces aspartic acid with asparagine at codon 881 of the CDH1 protein. To our knowledge, functional studies have not been reported for this variant. This variant has not been reported in individuals affected with hereditary cancer in the literature. This variant has been identified in 1/251390 chromosomes in the general population by the Genome Aggregation Database (gnomAD). The available evidence is insufficient to determine the role of this variant in disease conclusively. Therefore, this variant is classified as a Variant of Uncertain Significance.

PreventionGenetics, part of Exact Sciences
Classification: Uncertain significance for CDH1-related condition. Last evaluated: 2023-09-04. Review status: criteria provided, single submitter. Criteria: ACMG Guidelines, 2015. Collection method: clinical testing. Allele origin: germline.
Comment: The CDH1 c.2641G>A variant is predicted to result in the amino acid substitution p.Asp881Asn. To our knowledge, this variant has not been reported in the literature. This variant is reported in 0.00088% of alleles in individuals of European (Non-Finnish) descent in gnomAD and is interpreted as uncertain significance in ClinVar. A different nucleotide substitution affecting the same amino acid (p.Asp881Glu) has been reported in an individual with triple-negative breast cancer (Table S2, Liu et al. 2017. PubMed ID: 28135048). At this time, the clinical significance of the c.2641G>A (p.Asp881Asn) variant is uncertain due to the absence of conclusive functional and genetic evidence.

Labcorp Genetics (formerly Invitae), Labcorp
Classification: Uncertain significance for Hereditary diffuse gastric adenocarcinoma. Last evaluated: 2023-03-26. Review status: criteria provided, single submitter. Criteria: Invitae Variant Classification Sherloc (09022015). Collection method: clinical testing. Allele origin: germline.
Comment: This sequence change replaces aspartic acid, which is acidic and polar, with asparagine, which is neutral and polar, at codon 881 of the CDH1 protein (p.Asp881Asn). This variant is present in population databases (no rsID available, gnomAD 0.0009%). This variant has not been reported in the literature in individuals affected with CDH1-related conditions. ClinVar contains an entry for this variant (Variation ID: 481114). An algorithm developed to predict the effect of missense changes on protein structure and function (PolyPhen-2) suggests that this variant is likely to be disruptive. In summary, the available evidence is currently insufficient to determine the role of this variant in disease. Therefore, it has been classified as a Variant of Uncertain Significance.

Ambry Genetics
Classification: Uncertain significance for Hereditary cancer-predisposing syndrome. Last evaluated: 2022-09-14. Review status: criteria provided, single submitter. Criteria: Ambry Variant Classification Scheme 2023. Collection method: clinical testing. Allele origin: germline.
Comment: The p.D881N variant (also known as c.2641G>A), located in coding exon 16 of the CDH1 gene, results from a G to A substitution at nucleotide position 2641. The aspartic acid at codon 881 is replaced by asparagine, an amino acid with highly similar properties. This amino acid position is well conserved in available vertebrate species. In addition, this alteration is predicted to be tolerated by in silico analysis. Since supporting evidence is limited at this time, the clinical significance of this alteration remains unclear.